The following is an entry in ClinVar:

ClinVar aggregate classification (germline): Uncertain significance (1 of 4 stars; one submission).

Conditions:
Hereditary cancer-predisposing syndrome. Also called: Neoplastic Syndromes, Hereditary; Hereditary Cancer Syndrome; Hereditary neoplastic syndrome; Tumor predisposition. Identifiers: Orphanet 140162, MedGen C0027672, MeSH D009386, MONDO:0015356.

Submission:

Ambry Genetics
Classification: Uncertain significance for Hereditary cancer-predisposing syndrome. Last evaluated: 2023-04-18. Review status: criteria provided, single submitter. Criteria: Ambry Variant Classification Scheme 2023. Collection method: clinical testing. Allele origin: germline.
Comment: The p.K1794T variant (also known as c.5381A>C), located in coding exon 41 of the TSC2 gene, results from an A to C substitution at nucleotide position 5381. The lysine at codon 1794 is replaced by threonine, an amino acid with similar properties. This amino acid position is conserved. In addition, the in silico prediction for this alteration is inconclusive. Since supporting evidence is limited at this time, the clinical significance of this alteration remains unclear.

NM_000548.5(TSC2):c.5381A>C (p.Lys1794Thr)

Gene: TSC2 (TSC complex subunit 2; plus strand). Cytogenetic location: 16p13.3.
Variant type: single nucleotide variant.
Coding change: c.5381A>C on transcript NM_000548.5 (MANE Select); coding-DNA position 5381, A replaced by C.
Protein change: p.Lys1794Thr; replaces lysine 1794 with threonine.
Molecular consequence: missense variant. On other transcripts: non-coding transcript variant (5).
Genome position (GRCh38, 1-based): chr16:2,088,567, A>C. VCF-style: chr16-2088567-A-C. GRCh37 (hg19) VCF-style: chr16-2138568-A-C.
Other names: c.5180A>C, p.Lys1727Thr (NM_001077183.3); c.5312A>C, p.Lys1771Thr (NM_001114382.3); c.5072A>C, p.Lys1691Thr (NM_001318827.2); c.5036A>C, p.Lys1679Thr (NM_001318829.2); c.4649A>C, p.Lys1550Thr (NM_001318831.2); c.5213A>C, p.Lys1738Thr (NM_001318832.2); c.5183A>C, p.Lys1728Thr (NM_001363528.2); c.5249A>C, p.Lys1750Thr (NM_001370404.1); and 27 more; short protein forms K1193T, K1279T, K1303T, K1571T, K1678T, K1690T, K1708T, K1721T.
Identifiers: ClinVar variation 2564715 (VCV002564715.2), dbSNP rs756064266, ClinGen allele CA394315998.
Genomic context (GRCh38, chr16:2,088,567, plus strand): 5'-GCAAAGCCCCTGCACAGACTCCAGCCGAGCCCACACCTGGCTATGAGGTGGGCCAGCGGA[A>C]GCGCCTCATCTCCTCGGTGGAGGACTTCACCGAGTTTGTGTGAGGCCGGGGCCCTCCCTC-3'
Protein context (NP_000539.2, residues 1784-1804): PTPGYEVGQR[Lys1794Thr]RLISSVEDFT